The following is an entry in ClinVar:

ClinVar aggregate classification (germline): Likely benign (1 of 4 stars; one submission).

Allele frequency attached by ClinVar (database versions not stated): ExAC 0.00002; gnomAD 0.00005; gnomAD exomes 0.00005.
gnomAD v4.1: 87 of 1,614,024 alleles (0.0054%); highest among the groups gnomAD compares: Non-Finnish European, 0.0069%; no homozygotes.

Submission:

CeGaT Center for Human Genetics Tuebingen
Classification: Likely benign. Last evaluated: 2022-05-01. Review status: criteria provided, single submitter. Criteria: CeGaT Center For Human Genetics Tuebingen Variant Classification Criteria Version 2. Collection method: clinical testing. Allele origin: germline. Affected: yes. Observed: 1 variant allele.
Comment: LRP10: BP4, BP7

NM_014045.5(LRP10):c.57C>T (p.Asp19=)

Gene: LRP10 (LDL receptor related protein 10; plus strand). Cytogenetic location: 14q11.2.
Variant type: single nucleotide variant.
Coding change: c.57C>T on transcript NM_014045.5 (MANE Select); coding-DNA position 57, C replaced by T.
Protein change: p.Asp19=; no amino-acid change (aspartic acid 19 retained).
Molecular consequence: synonymous variant.
Genome position (GRCh38, 1-based): chr14:22,872,760, C>T. VCF-style: chr14-22872760-C-T. GRCh37 (hg19) VCF-style: chr14-23341969-C-T.
Other names: c.57C>T, p.Asp19= (NM_001329226.2).
Identifiers: ClinVar variation 2644076 (VCV002644076.24), dbSNP rs772482762, ClinGen allele CA7105606.